The following is an entry in ClinVar:

NM_000064.4(C3):c.567G>T (p.Leu189Phe)

Gene: C3 (complement C3; minus strand). Cytogenetic location: 19p13.3.
Variant type: single nucleotide variant.
Coding change: c.567G>T on transcript NM_000064.4 (MANE Select); coding-DNA position 567, G replaced by T.
Protein change: p.Leu189Phe; replaces leucine 189 with phenylalanine.
Molecular consequence: missense variant.
Genome position (GRCh38, 1-based): chr19:6,714,384, C>A on the plus strand (G>T on the coding strand, the complement: C3 is on the minus strand). VCF-style: chr19-6714384-C-A. GRCh37 (hg19) VCF-style: chr19-6714395-C-A.
Other names: p.Leu189Phe; short protein forms L189F.
Identifiers: ClinVar variation 3380568 (VCV003380568.1).

ClinVar aggregate classification (germline): Uncertain significance (1 of 4 stars; one submission).

Submission:

Mayo Clinic Laboratories, Mayo Clinic
Classification: Uncertain significance. Last evaluated: 2024-08-19. Review status: criteria provided, single submitter. Criteria: ACMG Guidelines, 2015. Collection method: clinical testing. Allele origin: germline. Observed: 1 variant allele.
Comment: BP4, PM2